The following is an entry in ClinVar:

ClinVar aggregate classification (germline): Uncertain significance (1 of 4 stars; one submission).

Allele frequency attached by ClinVar (database versions not stated): gnomAD exomes below 0.00001.
gnomAD v4.1: 1 of 1,610,752 alleles (0.000062%); highest among the groups gnomAD compares: Non-Finnish European, 0.000085%; no homozygotes.

Submission:

Labcorp Genetics (formerly Invitae), Labcorp
Classification: Uncertain significance. Last evaluated: 2021-08-16. Review status: criteria provided, single submitter. Criteria: Invitae Variant Classification Sherloc (09022015). Collection method: clinical testing. Allele origin: germline.
Comment: This sequence change falls in intron 5 of the PEPD gene. It does not directly change the encoded amino acid sequence of the PEPD protein. It affects a nucleotide within the consensus splice site of the intron. This variant is not present in population databases (ExAC no frequency). This variant has not been reported in the literature in individuals affected with PEPD-related conditions. Variants that disrupt the consensus splice site are a relatively common cause of aberrant splicing (PMID: 17576681, 9536098). Algorithms developed to predict the effect of sequence changes on RNA splicing suggest that this variant may disrupt the consensus splice site. In summary, the available evidence is currently insufficient to determine the role of this variant in disease. Therefore, it has been classified as a Variant of Uncertain Significance.

Literature cited by the submitters: PubMed 17576681; PubMed 9536098.

NM_000285.4(PEPD):c.441+4A>C

Gene: PEPD (peptidase D; minus strand). Cytogenetic location: 19q13.11.
Variant type: single nucleotide variant.
Coding change: c.441+4A>C on transcript NM_000285.4 (MANE Select); 4 bases into the intron after coding-DNA position 441, A replaced by C.
Molecular consequence: intron variant.
Genome position (GRCh38, 1-based): chr19:33,493,286, T>G on the plus strand (A>C on the coding strand, the complement: PEPD is on the minus strand). VCF-style: chr19-33493286-T-G. GRCh37 (hg19) VCF-style: chr19-33984192-T-G.
Other names: c.249+4A>C (NM_001166057.2); c.441+4A>C (NM_001166056.2).
Identifiers: ClinVar variation 1483845 (VCV001483845.6), dbSNP rs2145322384, ClinGen allele CA2573156238.
Genomic context (GRCh38, chr19:33,493,286, plus strand): 5'-TGGCCCCCATAAAAACCCTCCCCAGAGCCAAGCACTGCCCCACCCCTGGACACCAGCCAC[T>G]TACCAAAGTGAGGAGGACAGAGGGCTTCTGTGACGTCAGGACGCTGGCAATCTAGAAGGT-3'